The following is an entry in ClinVar:

ClinVar aggregate classification (germline): Uncertain significance (1 of 4 stars; one submission).

Submission:

Labcorp Genetics (formerly Invitae), Labcorp
Classification: Uncertain significance. Last evaluated: 2025-02-09. Review status: criteria provided, single submitter. Criteria: Invitae Variant Classification Sherloc (09022015). Collection method: clinical testing. Allele origin: germline.
Comment: This sequence change affects a donor splice site in intron 3 of the MAD2L2 gene. It is expected to disrupt RNA splicing. Variants that disrupt the donor or acceptor splice site typically lead to a loss of protein function (PMID: 16199547), however the current clinical and genetic evidence is not sufficient to establish whether loss-of-function variants in MAD2L2 cause disease. This variant is not present in population databases (gnomAD no frequency). This variant has not been reported in the literature in individuals affected with MAD2L2-related conditions. Algorithms developed to predict the effect of sequence changes on RNA splicing suggest that this variant may disrupt the consensus splice site. In summary, the available evidence is currently insufficient to determine the role of this variant in disease. Therefore, it has been classified as a Variant of Uncertain Significance.

Literature cited by the submitters: PubMed 16199547.

NM_006341.4(MAD2L2):c.159+1G>C

Gene: MAD2L2 (mitotic arrest deficient 2 like 2; minus strand). Cytogenetic location: 1p36.22.
Variant type: single nucleotide variant.
Coding change: c.159+1G>C on transcript NM_006341.4 (MANE Select); the canonical splice donor site of the intron after coding-DNA position 159, G replaced by C.
Molecular consequence: splice donor variant.
Genome position (GRCh38, 1-based): chr1:11,680,352, C>G on the plus strand (G>C on the coding strand, the complement: MAD2L2 is on the minus strand). VCF-style: chr1-11680352-C-G. GRCh37 (hg19) VCF-style: chr1-11740409-C-G.
Other names: c.159+1G>C (NM_001127325.2).
Identifiers: ClinVar variation 4712652 (VCV004712652.1).